The following is an entry in ClinVar:

NM_001261826.3(AP3D1):c.1860-7G>A

Gene: AP3D1 (adaptor related protein complex 3 subunit delta 1; minus strand). Cytogenetic location: 19p13.3.
Variant type: single nucleotide variant.
Coding change: c.1860-7G>A on transcript NM_001261826.3 (MANE Select); 7 bases into the intron before coding-DNA position 1860, G replaced by A.
Molecular consequence: intron variant.
Genome position (GRCh38, 1-based): chr19:2,116,753, C>T on the plus strand (G>A on the coding strand, the complement: AP3D1 is on the minus strand). VCF-style: chr19-2116753-C-T. GRCh37 (hg19) VCF-style: chr19-2116752-C-T.
Other names: c.1860-7G>A (NM_003938.8, NM_001374799.1).
Identifiers: ClinVar variation 3021353 (VCV003021353.3), dbSNP rs747266499, ClinGen allele CA9059146.

ClinVar aggregate classification (germline): Uncertain significance (1 of 4 stars; one submission).

Allele frequency attached by ClinVar (database versions not stated): gnomAD 0.00001; TOPMed 0.00001.
gnomAD v4.1: 8 of 1,602,894 alleles (0.0005%); highest among the groups gnomAD compares: South Asian, 0.0022%; no homozygotes.

Submission:

Labcorp Genetics (formerly Invitae), Labcorp
Classification: Uncertain significance. Last evaluated: 2023-04-26. Review status: criteria provided, single submitter. Criteria: Invitae Variant Classification Sherloc (09022015). Collection method: clinical testing. Allele origin: germline.
Comment: This sequence change falls in intron 16 of the AP3D1 gene. It does not directly change the encoded amino acid sequence of the AP3D1 protein. The frequency data for this variant in the population databases is considered unreliable, as metrics indicate poor data quality at this position in the gnomAD database. This variant has not been reported in the literature in individuals affected with AP3D1-related conditions. Algorithms developed to predict the effect of sequence changes on RNA splicing suggest that this variant may create or strengthen a splice site. In summary, the available evidence is currently insufficient to determine the role of this variant in disease. Therefore, it has been classified as a Variant of Uncertain Significance.